The following is an entry in ClinVar:

ClinVar aggregate classification (germline): Conflicting classifications of pathogenicity. Review status: criteria provided, conflicting classifications (1 of 4 stars). 9 submissions from 9 submitters: Pathogenic (4); Likely pathogenic (1); Uncertain significance (2). 2 of the submissions do not count toward it. Last evaluated 2025-12-06.

Conditions:
ABCC6-related disorder. Also called: ABCC6-related condition.
Autosomal recessive inherited pseudoxanthoma elasticum (PXE). Identifiers: Orphanet 758, MedGen CN032334, MONDO:0009925, OMIM 264800.
Pseudoxanthoma elasticum, forme fruste. Also called: Pseudoxanthoma Elasticum, Incomplete; PSEUDOXANTHOMA ELASTICUM, HETEROZYGOUS. Identifiers: Orphanet 758, MedGen C1867450, MONDO:0008333, OMIM 177850.
Arterial calcification, generalized, of infancy, 2. Identifiers: Orphanet 51608, MedGen C3276161, MONDO:0013768, OMIM 614473.

Allele frequency attached by ClinVar (database versions not stated): TOPMed 0.00002; gnomAD 0.00004 and 0.00007; gnomAD exomes 0.00005; ExAC 0.00006; 1000 Genomes Project 30x 0.00016; 1000 Genomes Project 0.00020.
gnomAD v4.1: 143 of 1,612,424 alleles (0.0089%); highest among the groups gnomAD compares: East Asian, 0.28%; no homozygotes.

Submissions (9):

Dasa
Classification: Pathogenic. Last evaluated: 2025-12-06. Review status: criteria provided, single submitter. Criteria: DASA Assertion Criteria. Collection method: clinical testing. Allele origin: germline.
Comment: NM_001171.6(ABCC6):c.4069C>T (p.Arg1357Trp) is a missense variant that results in the substitution of arginine with tryptophan. The affected residue or protein region has prior evidence supporting clinical relevance. This variant has been observed in affected individuals with related phenotype in a genotype context consistent with recessive disease (PMID: 15645653; PMID: 16086317; PMID: 28912966). This variant has been recurrently observed in individuals with related phenotype (PMID: 15645653; PMID: 16086317; PMID: 28912966). Segregation evidence has been reported in affected families. Multiple computational predictions support a deleterious effect on the gene or gene product. The variant is present at low frequency in population datasets. Based on the available data, this variant is classified as pathogenic.

Labcorp Genetics (formerly Invitae), Labcorp
Classification: Pathogenic. Last evaluated: 2025-09-08. Review status: criteria provided, single submitter. Criteria: Invitae Variant Classification Sherloc (09022015). Collection method: clinical testing. Allele origin: germline.
Comment: This sequence change replaces arginine, which is basic and polar, with tryptophan, which is neutral and slightly polar, at codon 1357 of the ABCC6 protein (p.Arg1357Trp). This variant is present in population databases (rs63750428, gnomAD 0.03%). This missense change has been observed in individual(s) with pseudoxanthoma elasticum (PMID: 15645653, 16086317, 28912966). In at least one individual the data is consistent with being in trans (on the opposite chromosome) from a pathogenic variant. ClinVar contains an entry for this variant (Variation ID: 143119). Invitae Evidence Modeling of protein sequence and biophysical properties (such as structural, functional, and spatial information, amino acid conservation, physicochemical variation, residue mobility, and thermodynamic stability) indicates that this missense variant is expected to disrupt ABCC6 protein function with a positive predictive value of 95%. For these reasons, this variant has been classified as Pathogenic.

PreventionGenetics, part of Exact Sciences
Classification: Likely pathogenic for ABCC6-related condition. Last evaluated: 2025-04-26. Review status: criteria provided, single submitter. Criteria: ACMG Guidelines, 2015. Collection method: clinical testing. Allele origin: germline.
Comment: The ABCC6 c.4069C>T variant is predicted to result in the amino acid substitution p.Arg1357Trp. This variant has been reported, often along with a second ABCC6 variant, in individuals with pseudoxanthoma elasticum (Noji et al. 2004. PubMed ID: 15645653; Miksch et al. 2005. PubMed ID: 16086317; Table S1, Verschuere et al. 2020. PubMed ID: 32873932; Table S1, Saeidian et al. 2021. PubMed ID: 34906475). This variant is present in 0.035% of alleles in individuals of East Asian descent in gnomAD. This variant is interpreted as likely pathogenic for autosomal recessive disease.

3billion
Classification: Pathogenic for Autosomal recessive inherited pseudoxanthoma elasticum. Last evaluated: 2024-02-16. Review status: criteria provided, single submitter. Criteria: ACMG Guidelines, 2015. Collection method: clinical testing. Allele origin: germline. Affected: yes.
Comment: The variant is observed at an extremely low frequency in the gnomAD v2.1.1 dataset (total allele frequency: 0.005%). Predicted Consequence/Location: Missense variant In silico tool predictions suggest damaging effect of the variant on gene or gene product [REVEL: 0.79 (>=0.6, sensitivity 0.68 and specificity 0.92); 3Cnet: 0.94 (>=0.6, sensitivity 0.72 and precision 0.9)]. Same nucleotide change resulting in same amino acid change has been previously reported as pathogenic/likely pathogenic with strong evidence (ClinVar ID: VCV000143119 /PMID: 15645653). The variant has been reported to be in trans with a pathogenic variant as either compound heterozygous or homozygous in at least 2 similarly affected unrelated individuals (PMID: 15645653, 28912966). Different missense changes at the same codon (p.Arg1357Gln, p.Arg1357Pro) have been reported as pathogenic/likely pathogenic with strong evidence (ClinVar ID: VCV001359254, VCV002040203 /PMID: 34205333). Therefore, this variant is classified as Pathogenic according to the recommendation of ACMG/AMP guideline.

Blueprint Genetics
Classification: Pathogenic for ABCC6-related disorders. Last evaluated: 2023-07-03. Review status: criteria provided, single submitter. Criteria: ACMG Guidelines, 2015. Collection method: clinical testing. Allele origin: germline. Affected: yes. Observed: 5 variant alleles.

Mendelics
Classification: Uncertain significance for Autosomal recessive inherited pseudoxanthoma elasticum. Last evaluated: 2023-06-19. Review status: criteria provided, single submitter. Criteria: Mendelics Assertion Criteria 2017. Collection method: clinical testing. Allele origin: unknown.

Department of Pathology and Laboratory Medicine, Sinai Health System
Classification: Uncertain significance for Arterial calcification, generalized, of infancy, 2; Autosomal recessive inherited pseudoxanthoma elasticum; Pseudoxanthoma elasticum, forme fruste. Last evaluated: 2023-03-14. Review status: criteria provided, single submitter. Criteria: ACMG Guidelines, 2015. Collection method: research. Allele origin: germline.

PXE International
Classification: Pathogenic for Autosomal recessive inherited pseudoxanthoma elasticum. Last evaluated: 2021-03-01. Review status: no assertion criteria provided. Collection method: research. Allele origin: germline. Inheritance: Autosomal recessive inheritance. Affected: yes. Observed: 1 variant allele. Not counted in ClinVar's aggregate classification.

Department of Ophthalmology and Visual Sciences Kyoto University
Classification: Likely benign. Review status: no assertion criteria provided. Collection method: not provided. Allele origin: unknown. Not counted in ClinVar's aggregate classification.
ClinVar note: Converted during submission from probable-non-pathogenic to Likely benign.

Literature cited by the submitters: PubMed 15645653 (cited by 4 submitters); PubMed 16086317 (cited by Dasa and Labcorp Genetics (formerly Invitae), Labcorp); PubMed 28912966 (cited by 3 submitters); PubMed 34205333 (cited by 3billion); PubMed 32873932 (cited by PXE International).

NM_001171.6(ABCC6):c.4069C>T (p.Arg1357Trp)

Gene: ABCC6 (ATP binding cassette subfamily C member 6; minus strand). Cytogenetic location: 16p13.11.
Variant type: single nucleotide variant.
Coding change: c.4069C>T on transcript NM_001171.6 (MANE Select); coding-DNA position 4069, C replaced by T.
Protein change: p.Arg1357Trp; replaces arginine 1357 with tryptophan.
Molecular consequence: missense variant. On other transcripts: non-coding transcript variant (1).
Genome position (GRCh38, 1-based): chr16:16,154,767, G>A on the plus strand (C>T on the coding strand, the complement: ABCC6 is on the minus strand). VCF-style: chr16-16154767-G-A. GRCh37 (hg19) VCF-style: chr16-16248624-G-A.
Other names: c.3727C>T, p.Arg1243Trp (NM_001351800.1); short protein forms R1357W, R1243W.
Identifiers: ClinVar variation 143119 (VCV000143119.19), dbSNP rs63750428, ClinGen allele CA232835.